The following is an entry in ClinVar:

ClinVar aggregate classification (germline): Uncertain significance (1 of 4 stars; one submission).

Conditions:
Pierpont syndrome (PRPTS). Identifiers: Orphanet 487825, MedGen C1865644, MONDO:0011213, OMIM 602342.

Submission:

Labcorp Genetics (formerly Invitae), Labcorp
Classification: Uncertain significance for Pierpont syndrome. Last evaluated: 2022-03-20. Review status: criteria provided, single submitter. Criteria: Invitae Variant Classification Sherloc (09022015). Collection method: clinical testing. Allele origin: germline.
Comment: This sequence change replaces aspartic acid, which is acidic and polar, with glutamic acid, which is acidic and polar, at codon 430 of the TBL1XR1 protein (p.Asp430Glu). This variant is not present in population databases (gnomAD no frequency). This variant has not been reported in the literature in individuals affected with TBL1XR1-related conditions. Advanced modeling of protein sequence and biophysical properties (such as structural, functional, and spatial information, amino acid conservation, physicochemical variation, residue mobility, and thermodynamic stability) performed at Invitae indicates that this missense variant is not expected to disrupt TBL1XR1 protein function. In summary, the available evidence is currently insufficient to determine the role of this variant in disease. Therefore, it has been classified as a Variant of Uncertain Significance.

NM_024665.7(TBL1XR1):c.1290C>A (p.Asp430Glu)

Gene: TBL1XR1 (TBL1X/Y related 1; minus strand). Cytogenetic location: 3q26.32.
Variant type: single nucleotide variant.
Coding change: c.1290C>A on transcript NM_024665.7 (MANE Select); coding-DNA position 1290, C replaced by A.
Protein change: p.Asp430Glu; replaces aspartic acid 430 with glutamic acid.
Molecular consequence: missense variant.
Genome position (GRCh38, 1-based): chr3:177,033,097, G>T on the plus strand (C>A on the coding strand, the complement: TBL1XR1 is on the minus strand). VCF-style: chr3-177033097-G-T. GRCh37 (hg19) VCF-style: chr3-176750885-G-T.
Other names: c.1290C>A, p.Asp430Glu (NM_001321193.3, NM_001321194.3, NM_001374327.1 and 2 more transcripts); c.1029C>A, p.Asp343Glu (NM_001321195.3, NM_001374330.1); short protein forms D343E, D430E.
Identifiers: ClinVar variation 2115401 (VCV002115401.4), dbSNP rs1311275691, ClinGen allele CA355554465.
Genomic context (GRCh38, chr3:177,033,097, plus strand): 5'-GAAAGCTACACTGTACACAGGCTCTTGGTGTTTTGTCAAGGTATGGATGCATATCCCTCG[G>T]TCTACATCCCATAACCTAACAGTAGAATCAAAGGATGCACTGAAAAAGGAAGGAAAGAAA-3'
Protein context (NP_078941.2, residues 420-440): FDSTVRLWDV[Asp430Glu]RGICIHTLTK